The following is an entry in ClinVar:

ClinVar aggregate classification (germline): Uncertain significance (1 of 4 stars; one submission).

Allele frequency attached by ClinVar (database versions not stated): ExAC 0.00001; gnomAD 0.00002; TOPMed 0.00002; ESP Exome Variant Server 0.00008.
gnomAD v4.1: 39 of 1,613,900 alleles (0.0024%); highest among the groups gnomAD compares: Non-Finnish European, 0.0031%; no homozygotes.

Submission:

Labcorp Genetics (formerly Invitae), Labcorp
Classification: Uncertain significance. Last evaluated: 2023-07-22. Review status: criteria provided, single submitter. Criteria: Invitae Variant Classification Sherloc (09022015). Collection method: clinical testing. Allele origin: germline.
Comment: This sequence change replaces isoleucine, which is neutral and non-polar, with valine, which is neutral and non-polar, at codon 640 of the ATRN protein (p.Ile640Val). This variant is present in population databases (rs150538179, gnomAD 0.002%). This variant has not been reported in the literature in individuals affected with ATRN-related conditions. ClinVar contains an entry for this variant (Variation ID: 1953986). Algorithms developed to predict the effect of missense changes on protein structure and function output the following: SIFT: "Not Available"; PolyPhen-2: "Benign"; Align-GVGD: "Not Available". The valine amino acid residue is found in multiple mammalian species, which suggests that this missense change does not adversely affect protein function. In summary, the available evidence is currently insufficient to determine the role of this variant in disease. Therefore, it has been classified as a Variant of Uncertain Significance.

NM_139321.3(ATRN):c.1918A>G (p.Ile640Val)

Gene: ATRN (attractin; plus strand). Cytogenetic location: 20p13.
Variant type: single nucleotide variant.
Coding change: c.1918A>G on transcript NM_139321.3 (MANE Select); coding-DNA position 1918, A replaced by G.
Protein change: p.Ile640Val; replaces isoleucine 640 with valine.
Molecular consequence: missense variant.
Genome position (GRCh38, 1-based): chr20:3,572,777, A>G. VCF-style: chr20-3572777-A-G. GRCh37 (hg19) VCF-style: chr20-3553424-A-G.
Other names: c.1570A>G, p.Ile524Val (NM_001207047.3); c.1918A>G, p.Ile640Val (NM_001323332.2, NM_139322.4); short protein forms I524V, I640V.
Identifiers: ClinVar variation 1953986 (VCV001953986.5), dbSNP rs150538179, ClinGen allele CA9744182.